The following is an entry in ClinVar:

NM_002113.3(CFHR1):c.208A>G (p.Ile70Val)

Gene: CFHR1 (complement factor H related 1; plus strand). Cytogenetic location: 1q31.3.
Variant type: single nucleotide variant.
Coding change: c.208A>G on transcript NM_002113.3 (MANE Select); coding-DNA position 208, A replaced by G.
Protein change: p.Ile70Val; replaces isoleucine 70 with valine.
Molecular consequence: missense variant. On other transcripts: intron variant (5).
Genome position (GRCh38, 1-based): chr1:196,825,626, A>G. VCF-style: chr1-196825626-A-G. GRCh37 (hg19) VCF-style: chr1-196794756-A-G.
Other names: c.157A>G, p.Ile53Val (NM_001379306.1); c.208A>G, p.Ile70Val (NM_001379311.1); c.59-13A>G (NM_001379307.1); c.59-16A>G (NM_001379308.1); c.59-19A>G (NM_001379309.1); c.59-1203A>G (NM_001379310.1); c.59-1251A>G (NM_001379312.1); short protein forms I53V, I70V.
Identifiers: ClinVar variation 2395414 (VCV002395414.4), dbSNP rs1455233012, ClinGen allele CA343985432.

ClinVar aggregate classification (germline): Uncertain significance. Review status: criteria provided, multiple submitters, no conflicts (2 of 4 stars). 2 submissions from 2 submitters: Uncertain significance (2). Last evaluated 2023-12-01.

Conditions:
Hemolytic uremic syndrome, atypical, susceptibility to, 1. Also called: AHUS, SUSCEPTIBILITY TO, 1. Identifiers: Orphanet 2134, Orphanet 90038, MedGen C2749604, MONDO:0009335, OMIM 235400. Disease mechanism: Other.

Allele frequency attached by ClinVar (database versions not stated): gnomAD exomes 0.00001; gnomAD 0.00002.
gnomAD v4.1: 13 of 1,525,150 alleles (0.00085%); highest among the groups gnomAD compares: African/African-American, 0.0034%; 3 homozygotes.

Submissions (2):

Precision Medicine Center, Zhengzhou University
Classification: Uncertain significance for Hemolytic uremic syndrome, atypical, susceptibility to, 1. Last evaluated: 2023-12-01. Review status: criteria provided, single submitter. Criteria: ACMG Guidelines, 2015. Collection method: clinical testing. Allele origin: paternal. Affected: yes.
Comment: PM2_p,PM3

Ambry Genetics
Classification: Uncertain significance. Last evaluated: 2022-06-21. Review status: criteria provided, single submitter. Criteria: Ambry Variant Classification Scheme 2023. Collection method: clinical testing. Allele origin: germline.